The following is an entry in ClinVar:

ClinVar aggregate classification (germline): Likely benign (0 of 4 stars; one submission).

Conditions:
NRP2-related disorder. Also called: NRP2-related condition.

Allele frequency attached by ClinVar (database versions not stated): ExAC 0.00003; gnomAD exomes 0.00004; gnomAD 0.00005; TOPMed 0.00006.
gnomAD v4.1: 62 of 1,614,102 alleles (0.0038%); highest among the groups gnomAD compares: Non-Finnish European, 0.0049%; no homozygotes.

Submission:

PreventionGenetics, part of Exact Sciences
Classification: Likely benign for NRP2-related condition. Last evaluated: 2021-06-16. Review status: no assertion criteria provided. Collection method: clinical testing. Allele origin: germline.
Comment: This variant is classified as likely benign based on ACMG/AMP sequence variant interpretation guidelines (Richards et al. 2015 PMID: 25741868, with internal and published modifications).

NM_003872.3(NRP2):c.2508T>C (p.Ser836=)

Gene: NRP2 (neuropilin 2; plus strand). Cytogenetic location: 2q33.3.
Variant type: single nucleotide variant.
Coding change: c.2508T>C on transcript NM_003872.3 (MANE Select); coding-DNA position 2508, T replaced by C.
Protein change: p.Ser836=; no amino-acid change (serine 836 retained).
Molecular consequence: synonymous variant.
Genome position (GRCh38, 1-based): chr2:205,794,785, T>C. VCF-style: chr2-205794785-T-C. GRCh37 (hg19) VCF-style: chr2-206659509-T-C.
Other names: c.2523T>C, p.Ser841= (NM_201266.2); c.2457T>C, p.Ser819= (NM_201279.2).
Identifiers: ClinVar variation 3032351 (VCV003032351.2), dbSNP rs752680437, ClinGen allele CA2069599.
Genomic context (GRCh38, chr2:205,794,785, plus strand): 5'-CAATCTCTCATGAATTTTATGTATCGCAGATGAATACGAGGTGGACTGGAGCAATTCTTC[T>C]TCTGCAACCTCAGGGTCTGGCGCCCCCTCGACCGACAAAGAAAAGAGCTGGCTGTACACC-3'
Protein context (NP_003863.2, residues 826-846): DEYEVDWSNS[Ser836=]SATSGSGAPS